The following is an entry in ClinVar:

ClinVar aggregate classification (germline): Pathogenic. Review status: criteria provided, multiple submitters, no conflicts (2 of 4 stars). 3 submissions from 3 submitters: Pathogenic (2). 1 of the submissions does not count toward it. Last evaluated 2023-04-20.

Conditions:
Charcot-Marie-Tooth disease. Also called: Charcot-Marie-Tooth Neuropathy; Charcot-Marie-Tooth Hereditary Neuropathy. Identifiers: Orphanet 166, MedGen C0007959, MONDO:0015626.
Charcot-Marie-Tooth disease, type I (CMT1). Also called: Charcot-Marie-Tooth disease type 1; Charcot-Marie-Tooth, Type 1. Identifiers: Orphanet 65753, MedGen C0751036, MONDO:0019011.
Charcot-Marie-Tooth disease type 1B. Also called: Charcot-Marie-Tooth disease, demyelinating, type 1b; Hereditary motor and sensory neuropathy 1B; Charcot-Marie-Tooth disease, type IB; CHARCOT-MARIE-TOOTH DISEASE, AUTOSOMAL DOMINANT, WITH FOCALLY FOLDED MYELIN SHEATHS, TYPE 1B; CHARCOT-MARIE-TOOTH DISEASE, SLOW NERVE CONDUCTION TYPE, LINKED TO DUFFY; CHARCOT-MARIE-TOOTH NEUROPATHY, TYPE 1B. Identifiers: Orphanet 101082, MedGen C0270912, MONDO:0007307, OMIM 118200.

Submissions (3):

Labcorp Genetics (formerly Invitae), Labcorp
Classification: Pathogenic for Charcot-Marie-Tooth disease, type I. Last evaluated: 2023-04-20. Review status: criteria provided, single submitter. Criteria: Invitae Variant Classification Sherloc (09022015). Collection method: clinical testing. Allele origin: germline.
Comment: This variant is not present in population databases (gnomAD no frequency). This sequence change affects an acceptor splice site in intron 3 of the MPZ gene. It is expected to disrupt RNA splicing. Variants that disrupt the donor or acceptor splice site typically lead to a loss of protein function (PMID: 16199547), and loss-of-function variants in MPZ are known to be pathogenic (PMID: 14711881). Disruption of this splice site has been observed in individual(s) with Charcot-Marie-Tooth disease (PMID: 9187667, 31919945). In at least one individual the variant was observed to be de novo. This variant is also known as 493-1G>C. ClinVar contains an entry for this variant (Variation ID: 637757). Algorithms developed to predict the effect of sequence changes on RNA splicing suggest that this variant may disrupt the consensus splice site. For these reasons, this variant has been classified as Pathogenic.

Clinical Genetics Service, Universitary Hospital 12 de Octubre
Classification: Pathogenic for Charcot-Marie-Tooth disease type 1B. Review status: criteria provided, single submitter. Criteria: ACMG Guidelines, 2015. Collection method: clinical testing. Allele origin: germline. Affected: yes.

Inherited Neuropathy Consortium
Classification: Uncertain significance for Charcot-Marie-Tooth disease. Review status: no assertion criteria provided. Collection method: literature only. Allele origin: germline. Affected: yes. Not counted in ClinVar's aggregate classification.

Literature cited by the submitters: PubMed 16199547 (cited by Labcorp Genetics (formerly Invitae), Labcorp); PubMed 14711881 (cited by Labcorp Genetics (formerly Invitae), Labcorp); PubMed 9187667 (cited by Labcorp Genetics (formerly Invitae), Labcorp and Inherited Neuropathy Consortium); PubMed 31919945 (cited by Labcorp Genetics (formerly Invitae), Labcorp).

NM_000530.8(MPZ):c.449-1G>C

Gene: MPZ (myelin protein zero; minus strand). Cytogenetic location: 1q23.3.
Variant type: single nucleotide variant.
Coding change: c.449-1G>C on transcript NM_000530.8 (MANE Select); the canonical splice acceptor site of the intron before coding-DNA position 449, G replaced by C.
Molecular consequence: splice acceptor variant.
Genome position (GRCh38, 1-based): chr1:161,306,465, C>G on the plus strand (G>C on the coding strand, the complement: MPZ is on the minus strand). VCF-style: chr1-161306465-C-G. GRCh37 (hg19) VCF-style: chr1-161276255-C-G.
Other names: c.449-1G>C (NM_000530.7, NM_001315491.2).
Identifiers: ClinVar variation 637757 (VCV000637757.5), dbSNP rs1571818339, ClinGen allele CA343346656.